The following continues an entry in ClinVar:

NM_007294.4(BRCA1):c.2834_2836delinsC (p.Ser945fs)

Gene: BRCA1. ClinVar aggregate classification (germline): Pathogenic. Pathogenic (1).

Submissions 9 to 16 of 16:

Women's Health and Genetics/Laboratory Corporation of America, LabCorp
Classification: Pathogenic for Hereditary breast and ovarian cancer syndrome. Last evaluated: 2020-01-22. Review status: criteria provided, single submitter. Criteria: LabCorp Variant Classification Summary - May 2015. Collection method: clinical testing. Allele origin: germline. Not counted in ClinVar's aggregate classification.
Comment: Variant summary: BRCA1 c.2834_2836delinsC (p.Ser945ThrfsX6) results in a premature termination codon, predicted to cause a truncation of the encoded protein or absence of the protein due to nonsense mediated decay, which are commonly known mechanisms for disease. The variant was absent in 251290 control chromosomes (gnomAD). c.2834_2836delinsC has been reported in the literature in multiple individuals affected with Hereditary Breast and Ovarian Cancer (e.g. Durocher_1996, Rebbeck_2018). These data indicate that the variant is very likely to be associated with disease. Eight ClinVar submitters including an expert panel (evaluation after 2014) cite the variant as pathogenic. Based on the evidence outlined above, the variant was classified as pathogenic.

Department of Pathology and Molecular Medicine, Queen's University
Classification: Pathogenic for Hereditary breast ovarian cancer syndrome. Last evaluated: 2017-04-20. Review status: criteria provided, single submitter. Criteria: ACMG Guidelines, 2015. Collection method: clinical testing. Allele origin: germline. Study: The Canadian Open Genetics Repository (COGR). Not counted in ClinVar's aggregate classification.

Quest Diagnostics Nichols Institute San Juan Capistrano
Classification: Pathogenic for Breast-ovarian cancer, familial, susceptibility to, 1. Last evaluated: 2016-06-10. Review status: criteria provided, single submitter. Criteria: Quest Diagnostics criteria. Collection method: clinical testing. Allele origin: germline. Inheritance: Autosomal dominant inheritance. Not counted in ClinVar's aggregate classification.

Consortium of Investigators of Modifiers of BRCA1/2 (CIMBA), c/o University of Cambridge
Classification: Pathogenic for Breast-ovarian cancer, familial, susceptibility to, 1. Last evaluated: 2015-10-02. Review status: criteria provided, single submitter. Criteria: CIMBA Mutation Classification guidelines May 2016. Collection method: clinical testing. Allele origin: germline. Not counted in ClinVar's aggregate classification.

Research Molecular Genetics Laboratory, Women's College Hospital, University of Toronto
Classification: Pathogenic for Hereditary breast ovarian cancer syndrome. Last evaluated: 2014-01-31. Review status: no assertion criteria provided. Collection method: research. Allele origin: germline. Affected: yes. Study: The Canadian Open Genetics Repository (COGR). Not counted in ClinVar's aggregate classification.

Sharing Clinical Reports Project (SCRP)
Classification: Pathogenic for Breast-ovarian cancer, familial 1. Last evaluated: 2012-05-16. Review status: no assertion criteria provided. Collection method: clinical testing. Allele origin: germline. Not counted in ClinVar's aggregate classification.

Breast Cancer Information Core (BIC) (BRCA1)
Classification: Pathogenic for Breast-ovarian cancer, familial 1. Last evaluated: 2002-05-29. Review status: no assertion criteria provided. Collection method: clinical testing. Allele origin: germline. Affected: yes. Observed: 9 variant alleles. Not counted in ClinVar's aggregate classification.

Department of Pathology and Laboratory Medicine, Sinai Health System
Classification: Pathogenic for Malignant tumor of breast. Review status: no assertion criteria provided. Collection method: clinical testing. Allele origin: unknown. Affected: yes. Study: The Canadian Open Genetics Repository (COGR). Not counted in ClinVar's aggregate classification.
Comment: The BRCA1 p.Ser945ThrfsX6 variant was identified in 13 of 3714 proband chromosomes (frequency: 0.004) from individuals of French Canadian families with ovarian and breast cancer (Durocher 1996, Feilotter 2014, Letourneau 2012, Oros 2004, Simard 2007, Zhang 2011), however, control chromosomes were not evaluated in these studies, thus the prevalence of this variant in the general population could not be determined. The variant was also identified by our laboratory in 8 individuals with ovarian and breast cancer. The variant was also identified in the ClinVar database (classified as a Pathogenic variant by the Sharing Clinical Reports Project, derived from Myriad reports), the BIC database (9X with clinical importance), and UMD (1X as a causal variant).The p.Ser945ThrfsX6 deletion/insertion variant is predicted to cause a frameshift, which alters the protein's amino acid sequence beginning at codon 945 and leads to a premature stop codon 6 codons downstream. This alteration is then predicted to result in a truncated or absent protein and loss of function. Loss of function variants of the BRCA1 gene are an established mechanism of disease in hereditary breast and ovarian cancer and is the type of variant expected to cause the disorder. In summary, based on the above information, this variant meets our laboratoryâ€šÃ„Ã´s criteria to be classified as pathogenic.

Literature cited by the submitters: PubMed 20104584 (cited by Labcorp Genetics (formerly Invitae), Labcorp); PubMed 8933332 (cited by 5 submitters); PubMed 16905680 (cited by 3 submitters); PubMed 21324516 (cited by 3 submitters); PubMed 23621881 (cited by 4 submitters); PubMed 25884701 (cited by 4 submitters); PubMed 15382066 (cited by Ambry Genetics and Color Diagnostics, LLC DBA Color Health); PubMed 9792861 (cited by 3 submitters); PubMed 10686936 (cited by Color Diagnostics, LLC DBA Color Health); PubMed 24333842 (cited by Color Diagnostics, LLC DBA Color Health); PubMed 29446198 (cited by Color Diagnostics, LLC DBA Color Health and Women's Health and Genetics/Laboratory Corporation of America, LabCorp); PubMed 33471991 (cited by Color Diagnostics, LLC DBA Color Health); PubMed 26295337 (cited by Quest Diagnostics Nichols Institute San Juan Capistrano).